The following is an entry in ClinVar:

NM_001692.4(ATP6V1B1):c.118+1G>C

Gene: ATP6V1B1 (ATPase H+ transporting V1 subunit B1; plus strand). Cytogenetic location: 2p13.3.
Variant type: single nucleotide variant.
Coding change: c.118+1G>C on transcript NM_001692.4 (MANE Select); the canonical splice donor site of the intron after coding-DNA position 118, G replaced by C.
Molecular consequence: splice donor variant.
Genome position (GRCh38, 1-based): chr2:70,936,073, G>C. VCF-style: chr2-70936073-G-C. GRCh37 (hg19) VCF-style: chr2-71163203-G-C.
Identifiers: ClinVar variation 1474429 (VCV001474429.6), dbSNP rs1679843577, ClinGen allele CA347176901.

ClinVar aggregate classification (germline): Likely pathogenic (1 of 4 stars; one submission).

Submission:

Labcorp Genetics (formerly Invitae), Labcorp
Classification: Likely pathogenic. Last evaluated: 2021-10-25. Review status: criteria provided, single submitter. Criteria: Invitae Variant Classification Sherloc (09022015). Collection method: clinical testing. Allele origin: germline.
Comment: This sequence change affects a donor splice site in intron 1 of the ATP6V1B1 gene. It is expected to disrupt RNA splicing. Variants that disrupt the donor or acceptor splice site typically lead to a loss of protein function (PMID: 16199547), and loss-of-function variants in ATP6V1B1 are known to be pathogenic (PMID: 9916796, 18368028). In summary, the currently available evidence indicates that the variant is pathogenic, but additional data are needed to prove that conclusively. Therefore, this variant has been classified as Likely Pathogenic. Algorithms developed to predict the effect of sequence changes on RNA splicing suggest that this variant may disrupt the consensus splice site. This variant has not been reported in the literature in individuals affected with ATP6V1B1-related conditions. This variant is not present in population databases (gnomAD no frequency).

Literature cited by the submitters: PubMed 16199547; PubMed 9916796; PubMed 18368028.